The following is an entry in ClinVar:

NM_012144.4(DNAI1):c.1202dup (p.Gly402fs)

Gene: DNAI1 (dynein axonemal intermediate chain 1; plus strand). Cytogenetic location: 9p13.3.
Variant type: Duplication.
Coding change: c.1202dup on transcript NM_012144.4 (MANE Select); coding-DNA position 1202, one base duplicated (T; older notation c.1202dupT).
Protein change: p.Gly402fs; shifts the reading frame from glycine 402.
Molecular consequence: frameshift variant.
Genome position (GRCh38, 1-based): chr9:34,506,765, T duplicated. VCF-style (leftmost placement, unchanged base first): chr9-34506764-G-GT. GRCh37 (hg19) VCF-style: chr9-34506762-G-GT.
Other names: c.1214dup, p.Gly406fs (NM_001281428.2); short protein forms G406fs, G402fs.
Identifiers: ClinVar variation 1372407 (VCV001372407.6), dbSNP rs2132076893, ClinGen allele CA2573144574.

ClinVar aggregate classification (germline): Pathogenic (1 of 4 stars; one submission).

Conditions:
Primary ciliary dyskinesia. Also called: Ciliary dyskinesia. Identifiers: Orphanet 244, MedGen C0008780, MONDO:0016575, HP:0012265.

Allele frequency attached by ClinVar (database versions not stated): gnomAD exomes below 0.00001.

Submission:

Labcorp Genetics (formerly Invitae), Labcorp
Classification: Pathogenic for Primary ciliary dyskinesia. Last evaluated: 2023-11-05. Review status: criteria provided, single submitter. Criteria: Invitae Variant Classification Sherloc (09022015). Collection method: clinical testing. Allele origin: germline.
Comment: This sequence change creates a premature translational stop signal (p.Gly402Argfs*4) in the DNAI1 gene. It is expected to result in an absent or disrupted protein product. Loss-of-function variants in DNAI1 are known to be pathogenic (PMID: 16858015, 29363216). This variant is not present in population databases (gnomAD no frequency). This variant has not been reported in the literature in individuals affected with DNAI1-related conditions. ClinVar contains an entry for this variant (Variation ID: 1372407). For these reasons, this variant has been classified as Pathogenic.

Literature cited by the submitters: PubMed 16858015; PubMed 29363216.